The following is an entry in ClinVar:

NM_006231.4(POLE):c.3265G>C (p.Val1089Leu)

Gene: POLE (DNA polymerase epsilon, catalytic subunit; minus strand). Cytogenetic location: 12q24.33.
Variant type: single nucleotide variant.
Coding change: c.3265G>C on transcript NM_006231.4 (MANE Select); coding-DNA position 3265, G replaced by C.
Protein change: p.Val1089Leu; replaces valine 1089 with leucine.
Molecular consequence: missense variant.
Genome position (GRCh38, 1-based): chr12:132,659,305, C>G on the plus strand (G>C on the coding strand, the complement: POLE is on the minus strand). VCF-style: chr12-132659305-C-G. GRCh37 (hg19) VCF-style: chr12-133235891-C-G.
Other names: short protein forms V1089L.
Identifiers: ClinVar variation 2101157 (VCV002101157.1), dbSNP rs1251462809, ClinGen allele CA387390242.

ClinVar aggregate classification (germline): Uncertain significance (1 of 4 stars; one submission).

Conditions:
Colorectal cancer, susceptibility to, 12 (CRCS12). Also called: COLORECTAL CANCER, SUSCEPTIBILITY TO, ON CHROMOSOME 12q24. Identifiers: Orphanet 220460, MedGen C3554460, MONDO:0014038, OMIM 615083.

Submission:

Labcorp Genetics (formerly Invitae), Labcorp
Classification: Uncertain significance for Colorectal cancer, susceptibility to, 12. Last evaluated: 2022-02-21. Review status: criteria provided, single submitter. Criteria: Invitae Variant Classification Sherloc (09022015). Collection method: clinical testing. Allele origin: germline.
Comment: This sequence change replaces valine, which is neutral and non-polar, with leucine, which is neutral and non-polar, at codon 1089 of the POLE protein (p.Val1089Leu). This variant is not present in population databases (gnomAD no frequency). This variant has not been reported in the literature in individuals affected with POLE-related conditions. Algorithms developed to predict the effect of missense changes on protein structure and function (SIFT, PolyPhen-2, Align-GVGD) all suggest that this variant is likely to be disruptive. In summary, the available evidence is currently insufficient to determine the role of this variant in disease. Therefore, it has been classified as a Variant of Uncertain Significance.